The following is an entry in ClinVar:

ClinVar aggregate classification (germline): Conflicting classifications of pathogenicity. Review status: criteria provided, conflicting classifications (1 of 4 stars). 4 submissions from 4 submitters: Uncertain significance (1); Likely benign (1). 2 of the submissions do not count toward it. Last evaluated 2025-03-10.

Conditions:
GNE-related disorder. Also called: GNE-related condition.
GNE myopathy (NM). Also called: INCLUSION BODY MYOPATHY, HEREDITARY, AUTOSOMAL RECESSIVE; INCLUSION BODY MYOPATHY 2, AUTOSOMAL RECESSIVE; MYOPATHY, DISTAL, WITH OR WITHOUT RIMMED VACUOLES; NONAKA DISTAL MYOPATHY; IBM 2; Inclusion body myopathy autosomal recessive. Identifiers: Orphanet 602, MedGen C1853926, MONDO:0011603, OMIM 605820.
Sialuria. Also called: SIALURIA, FRENCH TYPE; Sialic Acid Storage Disease. Identifiers: Orphanet 3166, MedGen C0342853, MONDO:0010028, OMIM 269921.

Allele frequency attached by ClinVar (database versions not stated): gnomAD 0.00001 and 0.00002; TOPMed 0.00003; 1000 Genomes Project 30x 0.00016; 1000 Genomes Project 0.00020.
gnomAD v4.1: 25 of 1,614,094 alleles (0.0015%); highest among the groups gnomAD compares: Admixed American, 0.01%; 1 homozygote.

Submissions (4):

Labcorp Genetics (formerly Invitae), Labcorp
Classification: Likely benign for Sialuria; GNE myopathy. Last evaluated: 2025-03-10. Review status: criteria provided, single submitter. Criteria: Invitae Variant Classification Sherloc (09022015). Collection method: clinical testing. Allele origin: germline.

Breakthrough Genomics
Classification: Uncertain significance. Review status: criteria provided, single submitter. Criteria: ACMG Guidelines, 2015. Collection method: not provided. Allele origin: germline. Inheritance: Autosomal recessive inheritance. Affected: yes.

PreventionGenetics, part of Exact Sciences
Classification: Likely benign for GNE-related condition. Last evaluated: 2024-05-01. Review status: no assertion criteria provided. Collection method: clinical testing. Allele origin: germline. Not counted in ClinVar's aggregate classification.
Comment: This variant is classified as likely benign based on ACMG/AMP sequence variant interpretation guidelines (Richards et al. 2015 PMID: 25741868, with internal and published modifications).

Natera, Inc.
Classification: Uncertain significance for Nonaka myopathy. Last evaluated: 2019-10-28. Review status: no assertion criteria provided. Collection method: clinical testing. Allele origin: germline. Not counted in ClinVar's aggregate classification.

NM_005476.7(GNE):c.2097G>A (p.Ser699=)

Gene: GNE (glucosamine (UDP-N-acetyl)-2-epimerase/N-acetylmannosamine kinase; minus strand). Cytogenetic location: 9p13.3.
Variant type: single nucleotide variant.
Coding change: c.2097G>A on transcript NM_005476.7 (MANE Select); coding-DNA position 2097, G replaced by A.
Protein change: p.Ser699=; no amino-acid change (serine 699 retained).
Molecular consequence: synonymous variant.
Genome position (GRCh38, 1-based): chr9:36,217,437, C>T on the plus strand (G>A on the coding strand, the complement: GNE is on the minus strand). VCF-style: chr9-36217437-C-T. GRCh37 (hg19) VCF-style: chr9-36217434-C-T.
Other names: c.2190G>A, p.Ser730= (NM_001128227.3); c.1875G>A, p.Ser625= (NM_001190383.3); c.1767G>A, p.Ser589= (NM_001190384.3); c.1920G>A, p.Ser640= (NM_001190388.2, NM_001374798.1); c.1944G>A, p.Ser648= (NM_001374797.1).
Identifiers: ClinVar variation 529878 (VCV000529878.12), dbSNP rs200490682, ClinGen allele CA5056349.